The following is an entry in ClinVar:

NM_001388453.1(QRICH2):c.1053A>C (p.Thr351=)

Gene: QRICH2 (glutamine rich 2; minus strand). Cytogenetic location: 17q25.1.
Variant type: single nucleotide variant.
Coding change: c.1053A>C on transcript NM_001388453.1 (MANE Select); coding-DNA position 1053, A replaced by C.
Protein change: p.Thr351=; no amino-acid change (threonine 351 retained).
Molecular consequence: synonymous variant.
Genome position (GRCh38, 1-based): chr17:76,293,674, T>G on the plus strand (A>C on the coding strand, the complement: QRICH2 is on the minus strand). VCF-style: chr17-76293674-T-G. GRCh37 (hg19) VCF-style: chr17-74289755-T-G.
Other names: c.1053A>C, p.Thr351= (NM_032134.3).
Identifiers: ClinVar variation 3040392 (VCV003040392.2), dbSNP rs114132180, ClinGen allele CA8784364.

ClinVar aggregate classification (germline): Benign (0 of 4 stars; one submission).

Conditions:
QRICH2-related disorder. Also called: QRICH2-related condition.

Allele frequency attached by ClinVar (database versions not stated): gnomAD exomes 0.00034; ExAC 0.00106; 1000 Genomes Project 0.00280; 1000 Genomes Project 30x 0.00297; gnomAD 0.00352; TOPMed 0.00353; ESP Exome Variant Server 0.00408.
gnomAD v4.1: 1,047 of 1,614,218 alleles (0.065%); highest among the groups gnomAD compares: African/African-American, 1.3%; 1 homozygote.

Submission:

PreventionGenetics, part of Exact Sciences
Classification: Benign for QRICH2-related condition. Last evaluated: 2019-10-28. Review status: no assertion criteria provided. Collection method: clinical testing. Allele origin: germline.
Comment: This variant is classified as benign based on ACMG/AMP sequence variant interpretation guidelines (Richards et al. 2015 PMID: 25741868, with internal and published modifications).